The following is an entry in ClinVar:

NM_004727.3(SLC24A1):c.3117T>A (p.Asn1039Lys)

Gene: SLC24A1 (solute carrier family 24 member 1; plus strand). Cytogenetic location: 15q22.31.
Variant type: single nucleotide variant.
Coding change: c.3117T>A on transcript NM_004727.3 (MANE Select); coding-DNA position 3117, T replaced by A.
Protein change: p.Asn1039Lys; replaces asparagine 1039 with lysine.
Molecular consequence: missense variant. On other transcripts: intron variant (1).
Genome position (GRCh38, 1-based): chr15:65,653,896, T>A. VCF-style: chr15-65653896-T-A. GRCh37 (hg19) VCF-style: chr15-65946234-T-A.
Other names: c.1098T>A, p.Asn366Lys (NM_001254740.2); c.3027T>A, p.Asn1009Lys (NM_001301031.1); c.3063T>A, p.Asn1021Lys (NM_001301032.1); c.2996+1088T>A (NM_001301033.2); short protein forms N1021K, N1009K, N1039K, N366K.
Identifiers: ClinVar variation 955826 (VCV000955826.9), dbSNP rs1379038478, ClinGen allele CA392903512.

ClinVar aggregate classification (germline): Uncertain significance (1 of 4 stars; one submission).

Allele frequency attached by ClinVar (database versions not stated): TOPMed below 0.00001; gnomAD 0.00001; gnomAD exomes 0.00001.

Submission:

Labcorp Genetics (formerly Invitae), Labcorp
Classification: Uncertain significance. Last evaluated: 2022-02-03. Review status: criteria provided, single submitter. Criteria: Invitae Variant Classification Sherloc (09022015). Collection method: clinical testing. Allele origin: germline.
Comment: In summary, the available evidence is currently insufficient to determine the role of this variant in disease. Therefore, it has been classified as a Variant of Uncertain Significance. Algorithms developed to predict the effect of missense changes on protein structure and function (SIFT, PolyPhen-2, Align-GVGD) all suggest that this variant is likely to be tolerated. ClinVar contains an entry for this variant (Variation ID: 955826). This variant has not been reported in the literature in individuals affected with SLC24A1-related conditions. This variant is present in population databases (no rsID available, gnomAD 0.009%). This sequence change replaces asparagine, which is neutral and polar, with lysine, which is basic and polar, at codon 1039 of the SLC24A1 protein (p.Asn1039Lys).